The following is an entry in ClinVar:

ClinVar aggregate classification (germline): Likely benign. Review status: criteria provided, multiple submitters, no conflicts (2 of 4 stars). 4 submissions from 4 submitters: Likely benign (2). 2 of the submissions do not count toward it. Last evaluated 2025-02-14.

Conditions:
FANCC-related disorder. Also called: FANCC-related condition.
Hereditary cancer-predisposing syndrome. Also called: Neoplastic Syndromes, Hereditary; Hereditary Cancer Syndrome; Tumor predisposition; Hereditary neoplastic syndrome. Identifiers: Orphanet 140162, MedGen C0027672, MeSH D009386, MONDO:0015356.
Fanconi anemia complementation group C (FANCC). Also called: Fanconi anemia, group C; FANCC-Related Fanconi Anemia; FANCONI PANCYTOPENIA, TYPE 3; FACC. Identifiers: Orphanet 84, MedGen C3468041, MONDO:0009213, OMIM 227645.
Fanconi anemia (FA). Also called: Fanconi's anemia. Identifiers: Orphanet 84, MedGen C0015625, MeSH D005199, MONDO:0019391.

Allele frequency attached by ClinVar (database versions not stated): gnomAD exomes below 0.00001; ExAC 0.00001; gnomAD 0.00001; TOPMed 0.00002.
gnomAD v4.1: 4 of 1,614,022 alleles (0.00025%); highest among the groups gnomAD compares: African/African-American, 0.004%; no homozygotes.

Submissions (4):

Labcorp Genetics (formerly Invitae), Labcorp
Classification: Likely benign for Fanconi anemia. Last evaluated: 2025-02-14. Review status: criteria provided, single submitter. Criteria: Invitae Variant Classification Sherloc (09022015). Collection method: clinical testing. Allele origin: germline.

Ambry Genetics
Classification: Likely benign for Hereditary cancer-predisposing syndrome. Last evaluated: 2021-05-28. Review status: criteria provided, single submitter. Criteria: Ambry Variant Classification Scheme 2023. Collection method: clinical testing. Allele origin: germline.

PreventionGenetics, part of Exact Sciences
Classification: Likely benign for FANCC-related condition. Last evaluated: 2022-10-12. Review status: no assertion criteria provided. Collection method: clinical testing. Allele origin: germline. Not counted in ClinVar's aggregate classification.
Comment: This variant is classified as likely benign based on ACMG/AMP sequence variant interpretation guidelines (Richards et al. 2015 PMID: 25741868, with internal and published modifications).

Natera, Inc.
Classification: Likely benign for Fanconi anemia, group C. Last evaluated: 2020-09-16. Review status: no assertion criteria provided. Collection method: clinical testing. Allele origin: germline. Not counted in ClinVar's aggregate classification.

NM_000136.3(FANCC):c.1593C>T (p.Tyr531=)

Genes: AOPEP (aminopeptidase O (putative); plus strand), FANCC (FA complementation group C; minus strand). Cytogenetic location: 9q22.32.
Variant type: single nucleotide variant.
Coding change: c.1593C>T on transcript NM_000136.3 (MANE Select); coding-DNA position 1593, C replaced by T.
Protein change: p.Tyr531=; no amino-acid change (tyrosine 531 retained).
Molecular consequence: synonymous variant.
Genome position (GRCh38, 1-based): chr9:95,101,791, G>A on the plus strand (C>T on the coding strand, the complement: FANCC is on the minus strand). VCF-style: chr9-95101791-G-A. GRCh37 (hg19) VCF-style: chr9-97864073-G-A.
Other names: c.1593C>T, p.Tyr531= (NM_001243743.2).
Identifiers: ClinVar variation 705442 (VCV000705442.16), dbSNP rs758842354, ClinGen allele CA5137294.